The following is an entry in ClinVar:

NM_020911.2(PLXNA4):c.1371+4349C>A

Gene: PLXNA4 (plexin A4; minus strand). Cytogenetic location: 7q32.3.
Variant type: single nucleotide variant.
Coding change: c.1371+4349C>A on transcript NM_020911.2 (MANE Select); 4349 bases into the intron after coding-DNA position 1371, C replaced by A.
Molecular consequence: intron variant. On other transcripts: missense variant (1).
Genome position (GRCh38, 1-based): chr7:132,484,943, G>T on the plus strand (C>A on the coding strand, the complement: PLXNA4 is on the minus strand). VCF-style: chr7-132484943-G-T. GRCh37 (hg19) VCF-style: chr7-132169702-G-T.
Other names: c.1442C>A, p.Ala481Glu (NM_181775.4); c.1371+4349C>A (NM_001393897.1, NM_001105543.2); short protein forms A481E.
Identifiers: ClinVar variation 3034052 (VCV003034052.2), dbSNP rs112214523, ClinGen allele CA4490257.

ClinVar aggregate classification (germline): Likely benign (0 of 4 stars; one submission).

Conditions:
PLXNA4-related disorder. Also called: PLXNA4-related condition.

Allele frequency attached by ClinVar (database versions not stated): 1000 Genomes Project 0.00060; 1000 Genomes Project 30x 0.00062; ESP Exome Variant Server 0.00223.

Submission:

PreventionGenetics, part of Exact Sciences
Classification: Likely benign for PLXNA4-related condition. Last evaluated: 2021-06-15. Review status: no assertion criteria provided. Collection method: clinical testing. Allele origin: germline.
Comment: This variant is classified as likely benign based on ACMG/AMP sequence variant interpretation guidelines (Richards et al. 2015 PMID: 25741868, with internal and published modifications).